The following is an entry in ClinVar:

ClinVar aggregate classification (germline): Uncertain significance (1 of 4 stars; one submission).

gnomAD v4.1: 9 of 1,614,070 alleles (0.00056%); highest among the groups gnomAD compares: Middle Eastern, 0.016%; no homozygotes.

Submission:

GeneDx
Classification: Uncertain significance. Last evaluated: 2025-07-14. Review status: criteria provided, single submitter. Criteria: GeneDx Variant Classification Process June 2021. Collection method: clinical testing. Allele origin: germline. Affected: yes.
Comment: Has not been previously published as pathogenic or benign to our knowledge; In silico analysis suggests that this missense variant does not alter protein structure/function

NM_006796.3(AFG3L2):c.353G>A (p.Arg118Gln)

Gene: AFG3L2 (AFG3 like matrix AAA peptidase subunit 2; minus strand). Cytogenetic location: 18p11.21.
Variant type: single nucleotide variant.
Coding change: c.353G>A on transcript NM_006796.3 (MANE Select); coding-DNA position 353, G replaced by A.
Protein change: p.Arg118Gln; replaces arginine 118 with glutamine.
Molecular consequence: missense variant.
Genome position (GRCh38, 1-based): chr18:12,367,322, C>T on the plus strand (G>A on the coding strand, the complement: AFG3L2 is on the minus strand). VCF-style: chr18-12367322-C-T. GRCh37 (hg19) VCF-style: chr18-12367321-C-T.
Other names: short protein forms R118Q.
Identifiers: ClinVar variation 4686363 (VCV004686363.1).